The following is an entry in ClinVar:

NM_017950.4(CCDC40):c.1806+8C>T

Gene: CCDC40 (coiled-coil domain 40 molecular ruler complex subunit; plus strand). Cytogenetic location: 17q25.3.
Variant type: single nucleotide variant.
Coding change: c.1806+8C>T on transcript NM_017950.4 (MANE Select); 8 bases into the intron after coding-DNA position 1806, C replaced by T.
Molecular consequence: intron variant.
Genome position (GRCh38, 1-based): chr17:80,081,797, C>T. VCF-style: chr17-80081797-C-T. GRCh37 (hg19) VCF-style: chr17-78055596-C-T.
Other names: c.1806+8C>T (NM_001243342.2).
Identifiers: ClinVar variation 414636 (VCV000414636.14), dbSNP rs182104049, ClinGen allele CA8814012.

ClinVar aggregate classification (germline): Benign/Likely benign. Review status: criteria provided, multiple submitters, no conflicts (2 of 4 stars). 3 submissions from 3 submitters: Benign (1); Likely benign (1). 1 of the submissions does not count toward it. Last evaluated 2025-12-24.

Conditions:
CCDC40-related disorder. Also called: CCDC40-related condition.
Primary ciliary dyskinesia. Also called: Ciliary dyskinesia. Identifiers: Orphanet 244, MedGen C0008780, MONDO:0016575, HP:0012265.

Allele frequency attached by ClinVar (database versions not stated): gnomAD exomes 0.00020; ExAC 0.00026; ESP Exome Variant Server 0.00064; gnomAD 0.00068 and 0.00076; 1000 Genomes Project 30x 0.00094; TOPMed 0.00095; 1000 Genomes Project 0.00100.
gnomAD v4.1: 342 of 1,613,890 alleles (0.021%); highest among the groups gnomAD compares: African/African-American, 0.25%; no homozygotes.

Submissions (3):

Labcorp Genetics (formerly Invitae), Labcorp
Classification: Benign for Primary ciliary dyskinesia. Last evaluated: 2025-12-24. Review status: criteria provided, single submitter. Criteria: Invitae Variant Classification Sherloc (09022015). Collection method: clinical testing. Allele origin: germline.

Blueprint Genetics
Classification: Likely benign. Last evaluated: 2024-03-11. Review status: criteria provided, single submitter. Criteria: ACMG Guidelines, 2015. Collection method: clinical testing. Allele origin: germline.

PreventionGenetics, part of Exact Sciences
Classification: Likely benign for CCDC40-related condition. Last evaluated: 2019-05-08. Review status: no assertion criteria provided. Collection method: clinical testing. Allele origin: germline. Not counted in ClinVar's aggregate classification.
Comment: This variant is classified as likely benign based on ACMG/AMP sequence variant interpretation guidelines (Richards et al. 2015 PMID: 25741868, with internal and published modifications).